The following is an entry in ClinVar:

NM_016219.5(MAN1B1):c.1189G>A (p.Glu397Lys)

Gene: MAN1B1 (mannosidase alpha class 1B member 1; plus strand). Cytogenetic location: 9q34.3.
Variant type: single nucleotide variant.
Coding change: c.1189G>A on transcript NM_016219.5 (MANE Select); coding-DNA position 1189, G replaced by A.
Protein change: p.Glu397Lys; replaces glutamic acid 397 with lysine.
Molecular consequence: missense variant. On other transcripts: non-coding transcript variant (2).
Genome position (GRCh38, 1-based): chr9:137,101,607, G>A. VCF-style: chr9-137101607-G-A. GRCh37 (hg19) VCF-style: chr9-139996059-G-A.
Other names: short protein forms E397K.
Identifiers: ClinVar variation 30413 (VCV000030413.51), dbSNP rs387906885, ClinGen allele CA129196.

ClinVar aggregate classification (germline): Conflicting classifications of pathogenicity. Review status: criteria provided, conflicting classifications (1 of 4 stars). 5 submissions from 5 submitters: Pathogenic (1); Likely pathogenic (2); Uncertain significance (1). 1 of the submissions does not count toward it. Last evaluated 2025-06-16.

Conditions:
Inborn genetic diseases. Identifiers: MedGen C0950123, MeSH D030342.
Rafiq syndrome (RAFQS). Identifiers: Orphanet 88616, MedGen C3280127, MONDO:0013624, OMIM 614202.

Allele frequency attached by ClinVar (database versions not stated): ExAC below 0.00001; gnomAD exomes below 0.00001 and 0.00001; gnomAD 0.00001; TOPMed 0.00002.
gnomAD v4.1: 19 of 1,613,698 alleles (0.0012%); highest among the groups gnomAD compares: African/African-American, 0.0013%; no homozygotes.

Submissions (5):

Labcorp Genetics (formerly Invitae), Labcorp
Classification: Uncertain significance for Rafiq syndrome. Last evaluated: 2025-06-16. Review status: criteria provided, single submitter. Criteria: Invitae Variant Classification Sherloc (09022015). Collection method: clinical testing. Allele origin: germline.
Comment: This sequence change replaces glutamic acid, which is acidic and polar, with lysine, which is basic and polar, at codon 397 of the MAN1B1 protein (p.Glu397Lys). This variant is present in population databases (rs387906885, gnomAD 0.004%). This missense change has been observed in individual(s) with clinical features of MAN1B1-congenital disorder of glycosylation (PMID: 21763484). ClinVar contains an entry for this variant (Variation ID: 30413). An algorithm developed to predict the effect of missense changes on protein structure and function (PolyPhen-2) suggests that this variant is likely to be disruptive. In summary, the available evidence is currently insufficient to determine the role of this variant in disease. Therefore, it has been classified as a Variant of Uncertain Significance.

Ambry Genetics
Classification: Likely pathogenic for Inborn genetic diseases. Last evaluated: 2024-10-21. Review status: criteria provided, single submitter. Criteria: Ambry Variant Classification Scheme 2023. Collection method: clinical testing. Allele origin: germline.
Comment: The c.1189G>A (p.E397K) alteration is located in exon 8 (coding exon 8) of the MAN1B1 gene. This alteration results from a G to A substitution at nucleotide position 1189, causing the glutamic acid (E) at amino acid position 397 to be replaced by a lysine (K). Based on data from gnomAD, the A allele has an overall frequency of 0.001% (2/282494) total alleles studied. The highest observed frequency was 0.004% (1/25112) of European (Finnish) alleles. This variant has been identified in the homozygous state and/or in conjunction with other MAN1B1 variants in individuals with features consistent with MAN1B1-related congenital disorder of glycosylation type II (Rafiq, 2011; external communication, 2024). This amino acid position is highly conserved in available vertebrate species. Functional studies suggest this variant causes a loss-of-function effect; however, additional evidence is needed to confirm this finding (Rafiq, 2011). This alteration is predicted to be deleterious by in silico analysis. Based on the available evidence, this alteration is classified as likely pathogenic.

GeneDx
Classification: Pathogenic. Last evaluated: 2022-01-26. Review status: criteria provided, single submitter. Criteria: GeneDx Variant Classification Process June 2021. Collection method: clinical testing. Allele origin: germline. Affected: yes.
Comment: Published functional studies demonstrate a damaging effect (reduction of enzyme activity to below detectable levels) (Rafiq et al., 2011); Not observed at significant frequency in large population cohorts (gnomAD); In silico analysis supports that this missense variant has a deleterious effect on protein structure/function; This variant is associated with the following publications: (PMID: 26279649, 23865144, 21763484, 28397838, 24176302, 34831340, 34258140, 26205822)

CeGaT Center for Human Genetics Tuebingen
Classification: Likely pathogenic. Last evaluated: 2016-09-01. Review status: criteria provided, single submitter. Criteria: CeGaT Center For Human Genetics Tuebingen Variant Classification Criteria Version 2. Collection method: clinical testing. Allele origin: germline. Affected: yes. Observed: 1 variant allele.

OMIM
Classification: Pathogenic for RAFIQ SYNDROME. Last evaluated: 2011-07-15. Review status: no assertion criteria provided. Collection method: literature only. Allele origin: germline. Not counted in ClinVar's aggregate classification.

Literature cited by the submitters: PubMed 21763484 (cited by 3 submitters).